The following is an entry in ClinVar:

NM_000090.4(COL3A1):c.1726G>T (p.Gly576Cys)

Gene: COL3A1 (collagen type III alpha 1 chain; plus strand). Cytogenetic location: 2q32.2.
Variant type: single nucleotide variant.
Coding change: c.1726G>T on transcript NM_000090.4 (MANE Select); coding-DNA position 1726, G replaced by T.
Protein change: p.Gly576Cys; replaces glycine 576 with cysteine.
Molecular consequence: missense variant.
Genome position (GRCh38, 1-based): chr2:188,996,461, G>T. VCF-style: chr2-188996461-G-T. GRCh37 (hg19) VCF-style: chr2-189861187-G-T.
Other names: short protein forms G576C.
Identifiers: ClinVar variation 4800321 (VCV004800321.1).
Genomic context (GRCh38, chr2:188,996,461, plus strand): 5'-AGTCAAGGAGAAAGTGGTCGACCAGGTCCTCCTGGGCCATCTGGTCCCCGAGGTCAGCCT[G>T]GTGTCATGGGCTTCCCCGGTCCTAAAGGAAATGATGTGAGTTCCTTCATTAATTTCTTCA-3'
Protein context (NP_000081.2, residues 566-586): PGPSGPRGQP[Gly576Cys]VMGFPGPKGN

ClinVar aggregate classification (germline): Likely pathogenic (1 of 4 stars; one submission).

Conditions:
Ehlers-Danlos syndrome, type 4 (EDSVASC). Also called: Ehlers-Danlos syndrome vascular type; Ehlers Danlos syndrome, ecchymotic type; Ehlers Danlos syndrome, arterial type; Ehlers Danlos syndrome, Sack-Barabas type; Ehlers-Danlos Syndrome Type IV. Identifiers: Orphanet 286, MedGen C0268338, MONDO:0017314, OMIM 130050.

Submission:

Labcorp Genetics (formerly Invitae), Labcorp
Classification: Likely pathogenic for Ehlers-Danlos syndrome, type 4. Last evaluated: 2025-09-22. Review status: criteria provided, single submitter. Criteria: Invitae Variant Classification Sherloc (09022015). Collection method: clinical testing. Allele origin: germline.
Comment: This sequence change replaces glycine, which is neutral and non-polar, with cysteine, which is neutral and slightly polar, at codon 576 of the COL3A1 protein (p.Gly576Cys). This variant is not present in population databases (gnomAD no frequency). This variant has not been reported in the literature in individuals affected with COL3A1-related conditions. Invitae Evidence Modeling of protein sequence and biophysical properties (such as structural, functional, and spatial information, amino acid conservation, physicochemical variation, residue mobility, and thermodynamic stability) indicates that this missense variant is expected to disrupt COL3A1 protein function with a positive predictive value of 95%. This variant disrupts the triple helix domain of COL3A1. Glycine residues within the Gly-Xaa-Yaa repeats of the triple helix domain are required for the structure and stability of fibrillar collagens (PMID: 7695699, 8218237, 19344236). In COL3A1, variants that affect these glycine residues are significantly enriched in individuals with disease (PMID: 24922459, 25758994) compared to the general population (ExAC). In summary, the currently available evidence indicates that the variant is pathogenic, but additional data are needed to prove that conclusively. Therefore, this variant has been classified as Likely Pathogenic.

Literature cited by the submitters: PubMed 7695699; PubMed 8218237; PubMed 19344236; PubMed 24922459; PubMed 25758994.